The following is an entry in ClinVar:

ClinVar aggregate classification (germline): Pathogenic/Likely pathogenic. Review status: criteria provided, multiple submitters, no conflicts (2 of 4 stars). 7 submissions from 6 submitters: Pathogenic (2); Likely pathogenic (4). 1 of the submissions does not count toward it. Last evaluated 2025-11-25.

Conditions:
Rare genetic deafness. Identifiers: Orphanet 96210, MedGen C5680250.
Usher syndrome. Also called: Usher Syndromes; Usher's syndrome. Identifiers: Orphanet 886, MedGen CN469326, MeSH D052245, MONDO:0019501. Disease mechanism: loss of function.
Retinitis pigmentosa 39 (RP39). Identifiers: Orphanet 791, MedGen C3151138, MONDO:0013436, OMIM 613809.
Usher syndrome type 2A. Also called: RETINAL DISEASE IN USHER SYNDROME TYPE IIA, MODIFIER OF; USHER SYNDROME, TYPE IIA. Identifiers: Orphanet 231178, Orphanet 886, MedGen C1848634, MONDO:0010169, OMIM 276901.

Submissions (7):

Women's Health and Genetics/Laboratory Corporation of America, LabCorp
Classification: Pathogenic for Usher syndrome. Last evaluated: 2025-11-25. Review status: criteria provided, single submitter. Criteria: LabCorp Variant Classification Summary - May 2015. Collection method: clinical testing. Allele origin: germline.
Comment: Variant summary: USH2A c.4189_4193dupTATGA (p.Ile1399MetfsX35), also referred to as c.4188_4189insTATGA, results in a premature termination codon, predicted to cause a truncation of the encoded protein or absence of the protein due to nonsense mediated decay, which are commonly known mechanisms for disease. The variant was absent in 250952 control chromosomes. c.4189_4193dupTATGA has been observed in individual(s) affected with retinitis pigmentosa (e.g. Stone_2017). To our knowledge, no experimental evidence demonstrating an impact on protein function has been reported. The following publication has been ascertained in the context of this evaluation (PMID: 28559085). ClinVar contains an entry for this variant (Variation ID: 554392). Based on the evidence outlined above, the variant was classified as pathogenic.

Natera, Inc.
Classification: Likely pathogenic for Usher syndrome type 2A. Last evaluated: 2024-11-19. Review status: criteria provided, single submitter. Criteria: Natera Variant Classification Schema (03/2026). Collection method: clinical testing. Allele origin: germline.
Comment: The c.4189_4193dupTATGA variant in USH2A is a frameshift variant predicted to shift the reading frame beginning at codon 1399 and leads to a stop codon 35 codons downstream. This variant is expected to result in nonsense mediated decay, truncation, or a dysfunctional protein product. This variant is rare in the general population with a frequency below the threshold expected for the associated phenotype(s). Given the available evidence, this variant is classified as Likely Pathogenic.

Genome-Nilou Lab
Classification: Likely pathogenic for Retinitis pigmentosa 39. Last evaluated: 2023-11-04. Review status: criteria provided, single submitter. Criteria: ACMG Guidelines, 2015. Collection method: clinical testing. Allele origin: germline. Affected: no.

Genome-Nilou Lab
Classification: Likely pathogenic for Usher syndrome type 2A. Last evaluated: 2023-11-04. Review status: criteria provided, single submitter. Criteria: ACMG Guidelines, 2015. Collection method: clinical testing. Allele origin: germline. Affected: no.

Labcorp Genetics (formerly Invitae), Labcorp
Classification: Pathogenic. Last evaluated: 2023-08-14. Review status: criteria provided, single submitter. Criteria: Invitae Variant Classification Sherloc (09022015). Collection method: clinical testing. Allele origin: germline.
Comment: For these reasons, this variant has been classified as Pathogenic. Algorithms developed to predict the effect of sequence changes on RNA splicing suggest that this variant may disrupt the consensus splice site. ClinVar contains an entry for this variant (Variation ID: 554392). This variant has not been reported in the literature in individuals affected with USH2A-related conditions. This variant is not present in population databases (gnomAD no frequency). This sequence change creates a premature translational stop signal (p.Ile1399Metfs*35) in the USH2A gene. It is expected to result in an absent or disrupted protein product. Loss-of-function variants in USH2A are known to be pathogenic (PMID: 10729113, 10909849, 20507924, 25649381).

Laboratory for Molecular Medicine, Mass General Brigham Personalized Medicine
Classification: Likely pathogenic for Rare genetic deafness. Last evaluated: 2018-05-10. Review status: criteria provided, single submitter. Criteria: LMM Criteria. Collection method: clinical testing. Allele origin: germline. Inheritance: Autosomal recessive inheritance. Observed: 1 variant allele.
Comment: The p.Ile1399fs variant in USH2A has not been previously reported in individuals with hearing loss or Usher syndrome and was absent from large population studie s, though the ability of these studies to accurately detect indels may be limite d. This variant is predicted to cause a frameshift, which alters the protein?s a mino acid sequence beginning at position 1399 and leads to a premature terminati on codon 35 amino acids downstream. This alteration is then predicted to lead to a truncated or absent protein. Loss of function of the USH2A gene is an establi shed disease mechanism in autosomal recessive Usher syndrome. In summary, althou gh additional studies are required to fully establish its clinical significance, this variant is likely pathogenic. ACMG/AMP Criteria applied: PVS1; PM2.

Counsyl
Classification: Likely pathogenic for Usher syndrome type 2A; Retinitis pigmentosa 39. Last evaluated: 2017-10-17. Review status: no assertion criteria provided. Collection method: clinical testing. Allele origin: unknown. Not counted in ClinVar's aggregate classification.

Literature cited by the submitters: PubMed 28559085 (cited by Women's Health and Genetics/Laboratory Corporation of America, LabCorp); PubMed 10729113 (cited by Labcorp Genetics (formerly Invitae), Labcorp); PubMed 10909849 (cited by Labcorp Genetics (formerly Invitae), Labcorp); PubMed 20507924 (cited by Labcorp Genetics (formerly Invitae), Labcorp); PubMed 25649381 (cited by Labcorp Genetics (formerly Invitae), Labcorp).

NM_206933.4(USH2A):c.4189_4193dup (p.Ile1399fs)

Genes: USH2A (usherin; minus strand), USH2A-AS1 (USH2A antisense RNA 1; plus strand). Cytogenetic location: 1q41.
Variant type: Duplication.
Coding change: c.4189_4193dup on transcript NM_206933.4 (MANE Select); coding-DNA positions 4189 to 4193, 5 bases duplicated (TATGA; older notation c.4189_4193dupTATGA).
Protein change: p.Ile1399fs; shifts the reading frame from isoleucine 1399.
Molecular consequence: frameshift variant.
Genome position (GRCh38, 1-based): chr1:216,196,611-216,196,615, TCATA duplicated on the plus strand (TATGA on the coding strand, the reverse complement: USH2A is on the minus strand). VCF-style (leftmost placement, unchanged base first): chr1-216196610-G-GTCATA. GRCh37 (hg19) VCF-style: chr1-216369952-G-GTCATA.
Other names: c.4189_4193dup, p.Ile1399fs (NM_007123.6); c.4189_4193dupTATGA (NM_206933.4); short protein forms I1399fs.
Identifiers: ClinVar variation 554392 (VCV000554392.15), dbSNP rs1553313308, ClinGen allele CA658822780.